The following is an entry in ClinVar:

NM_001923.5(DDB1):c.557_558del (p.Gln186fs)

Gene: DDB1 (damage specific DNA binding protein 1; minus strand). Cytogenetic location: 11q12.2.
Variant type: Deletion.
Coding change: c.557_558del on transcript NM_001923.5 (MANE Select); coding-DNA positions 557 to 558, 2 bases deleted (AG; older notation c.557_558delAG).
Protein change: p.Gln186fs; shifts the reading frame from glutamine 186.
Molecular consequence: frameshift variant.
Genome position (GRCh38, 1-based): chr11:61,326,885-61,326,886, CT deleted on the plus strand (AG on the coding strand, the reverse complement: DDB1 is on the minus strand). VCF-style (leftmost placement, unchanged base first): chr11-61326884-CCT-C. GRCh37 (hg19) VCF-style: chr11-61094356-CCT-C.
Other names: short protein forms Q186fs.
Identifiers: ClinVar variation 1699795 (VCV001699795.2), dbSNP rs2134935116, ClinGen allele CA2580084343.

ClinVar aggregate classification (germline): Uncertain significance (1 of 4 stars; one submission).

Submission:

GeneDx
Classification: Uncertain significance. Last evaluated: 2022-01-26. Review status: criteria provided, single submitter. Criteria: GeneDx Variant Classification Process June 2021. Collection method: clinical testing. Allele origin: germline. Affected: yes.
Comment: Not observed at significant frequency in large population cohorts (gnomAD); Frameshift variant predicted to result in protein truncation or nonsense mediated decay in a gene for which loss-of-function is not a known mechanism of disease; Has not been previously published as pathogenic or benign to our knowledge